The following is an entry in ClinVar:

NM_052963.3(TOP1MT):c.7G>C (p.Val3Leu)

Gene: TOP1MT (DNA topoisomerase I mitochondrial; minus strand). Cytogenetic location: 8q24.3.
Variant type: single nucleotide variant.
Coding change: c.7G>C on transcript NM_052963.3 (MANE Select); coding-DNA position 7, G replaced by C.
Protein change: p.Val3Leu; replaces valine 3 with leucine.
Molecular consequence: missense variant. On other transcripts: intron variant (2).
Genome position (GRCh38, 1-based): chr8:143,334,855, C>G on the plus strand (G>C on the coding strand, the complement: TOP1MT is on the minus strand). VCF-style: chr8-143334855-C-G. GRCh37 (hg19) VCF-style: chr8-144417025-C-G.
Other names: c.-172-3516G>C (NM_001258447.1, NM_001258446.1); short protein forms V3L.
Identifiers: ClinVar variation 4704469 (VCV004704469.1).
Genomic context (GRCh38, chr8:143,334,855, plus strand): 5'-GGCGGCGGGGGACCTCCCCGAGCAGCGTCAGAGCCGCCCGGAGCCGCAGCAGCCGCACCA[C>G]GCGCATCTGCCAGCCTCCGGGAAAGAGCGACAAGCTGGGCCCCGCCCCAGCGGCCAGCCC-3'
Protein context (NP_443195.1, residues 1-13): MR[Val3Leu]VRLLRLRAAL

ClinVar aggregate classification (germline): Uncertain significance (1 of 4 stars; one submission).

gnomAD v4.1: 3 of 1,496,990 alleles (0.0002%); no homozygotes.

Submission:

Labcorp Genetics (formerly Invitae), Labcorp
Classification: Uncertain significance. Last evaluated: 2025-07-31. Review status: criteria provided, single submitter. Criteria: Invitae Variant Classification Sherloc (09022015). Collection method: clinical testing. Allele origin: germline.
Comment: This sequence change replaces valine, which is neutral and non-polar, with leucine, which is neutral and non-polar, at codon 3 of the TOP1MT protein (p.Val3Leu). This variant is not present in population databases (gnomAD no frequency). This variant has not been reported in the literature in individuals affected with TOP1MT-related conditions. Invitae Evidence Modeling of protein sequence and biophysical properties (such as structural, functional, and spatial information, amino acid conservation, physicochemical variation, residue mobility, and thermodynamic stability) indicates that this missense variant is not expected to disrupt TOP1MT protein function with a negative predictive value of 80%. In summary, the available evidence is currently insufficient to determine the role of this variant in disease. Therefore, it has been classified as a Variant of Uncertain Significance.